The following is an entry in ClinVar:

ClinVar aggregate classification (germline): Uncertain significance (1 of 4 stars; one submission).

Allele frequency attached by ClinVar (database versions not stated): ExAC 0.00001; TOPMed 0.00002; gnomAD exomes 0.00001.
gnomAD v4.1: 18 of 1,613,490 alleles (0.0011%); highest among the groups gnomAD compares: Non-Finnish European, 0.0015%; no homozygotes.

Submission:

GeneDx
Classification: Uncertain significance. Last evaluated: 2019-08-21. Review status: criteria provided, single submitter. Criteria: GeneDx Variant Classification Process June 2021. Collection method: clinical testing. Allele origin: germline. Affected: yes.
Comment: Not observed at a significant frequency in large population cohorts (Lek et al., 2016); Has not been previously published as pathogenic or benign to our knowledge; In silico analysis, which includes protein predictors and evolutionary conservation, supports that this variant does not alter protein structure/function

NM_001044385.3(TMEM237):c.410C>G (p.Ala137Gly)

Gene: TMEM237 (transmembrane protein 237; minus strand). Cytogenetic location: 2q33.1.
Variant type: single nucleotide variant.
Coding change: c.410C>G on transcript NM_001044385.3 (MANE Select); coding-DNA position 410, C replaced by G.
Protein change: p.Ala137Gly; replaces alanine 137 with glycine.
Molecular consequence: missense variant.
Genome position (GRCh38, 1-based): chr2:201,632,194, G>C on the plus strand (C>G on the coding strand, the complement: TMEM237 is on the minus strand). VCF-style: chr2-201632194-G-C. GRCh37 (hg19) VCF-style: chr2-202496917-G-C.
Other names: c.386C>G, p.Ala129Gly (NM_152388.4); short protein forms A129G, A137G.
Identifiers: ClinVar variation 1307700 (VCV001307700.2), dbSNP rs760672264, ClinGen allele CA2056478.